The following is an entry in ClinVar:

NM_000186.4(CFH):c.2642T>C (p.Ile881Thr)

Gene: CFH (complement factor H; plus strand). Cytogenetic location: 1q31.3.
Variant type: single nucleotide variant.
Coding change: c.2642T>C on transcript NM_000186.4 (MANE Select); coding-DNA position 2642, T replaced by C.
Protein change: p.Ile881Thr; replaces isoleucine 881 with threonine.
Molecular consequence: missense variant.
Genome position (GRCh38, 1-based): chr1:196,737,520, T>C. VCF-style: chr1-196737520-T-C. GRCh37 (hg19) VCF-style: chr1-196706650-T-C.
Other names: short protein forms I881T.
Identifiers: ClinVar variation 1511257 (VCV001511257.6), dbSNP rs2149113479, ClinGen allele CA343993671.
Genomic context (GRCh38, chr1:196,737,520, plus strand): 5'-TCATTCTTCATTTAGAAAAAATTCCATGTTCACAACCACCTCAGATAGAACACGGAACCA[T>C]TAATTCATCCAGGTCTTCACAAGAAAGTTATGCACATGGGACTAAATTGAGTTATACTTG-3'
Protein context (NP_000177.2, residues 871-891): SQPPQIEHGT[Ile881Thr]NSSRSSQESY

ClinVar aggregate classification (germline): Uncertain significance (1 of 4 stars; one submission).

Submission:

Labcorp Genetics (formerly Invitae), Labcorp
Classification: Uncertain significance. Last evaluated: 2023-07-10. Review status: criteria provided, single submitter. Criteria: Invitae Variant Classification Sherloc (09022015). Collection method: clinical testing. Allele origin: germline.
Comment: This sequence change replaces isoleucine, which is neutral and non-polar, with threonine, which is neutral and polar, at codon 881 of the CFH protein (p.Ile881Thr). This variant is not present in population databases (gnomAD no frequency). This variant has not been reported in the literature in individuals affected with CFH-related conditions. ClinVar contains an entry for this variant (Variation ID: 1511257). Algorithms developed to predict the effect of missense changes on protein structure and function output the following: SIFT: "Not Available"; PolyPhen-2: "Benign"; Align-GVGD: "Not Available". The threonine amino acid residue is found in multiple mammalian species, which suggests that this missense change does not adversely affect protein function. In summary, the available evidence is currently insufficient to determine the role of this variant in disease. Therefore, it has been classified as a Variant of Uncertain Significance.